The following is an entry in ClinVar:

ClinVar aggregate classification (germline): Likely benign. Review status: criteria provided, multiple submitters, no conflicts (2 of 4 stars). 2 submissions from 2 submitters: Likely benign (2). Last evaluated 2025-12-22.

Conditions:
Familial thoracic aortic aneurysm and aortic dissection (TAAD). Also called: Thoracic aortic aneurysms and dissections. Identifiers: Orphanet 91387, MedGen C4707243, MONDO:0019625.
Marfan syndrome (MFS). Also called: Marfan syndrome type 1; Marfan syndrome, classic; Marfan's syndrome; FBN1-Related Marfan Syndrome; MARFAN SYNDROME, TYPE I. Identifiers: Orphanet 284963, Orphanet 558, MedGen C0024796, MONDO:0007947, OMIM 154700.

Allele frequency attached by ClinVar (database versions not stated): TOPMed below 0.00001; gnomAD exomes 0.00001.
gnomAD v4.1: 8 of 1,605,618 alleles (0.0005%); highest among the groups gnomAD compares: Middle Eastern, 0.017%; no homozygotes.

Submissions (2):

Labcorp Genetics (formerly Invitae), Labcorp
Classification: Likely benign for Marfan syndrome; Familial thoracic aortic aneurysm and aortic dissection. Last evaluated: 2025-12-22. Review status: criteria provided, single submitter. Criteria: Invitae Variant Classification Sherloc (09022015). Collection method: clinical testing. Allele origin: germline.

GeneDx
Classification: Likely benign. Last evaluated: 2017-09-11. Review status: criteria provided, single submitter. Criteria: GeneDx Variant Classification (06012015). Collection method: clinical testing. Allele origin: germline. Affected: yes.
Comment: This variant is considered likely benign or benign based on one or more of the following criteria: it is a conservative change, it occurs at a poorly conserved position in the protein, it is predicted to be benign by multiple in silico algorithms, and/or has population frequency not consistent with disease.

NM_000138.5(FBN1):c.247+9A>C

Gene: FBN1 (fibrillin 1; minus strand). Cytogenetic location: 15q21.1.
Variant type: single nucleotide variant.
Coding change: c.247+9A>C on transcript NM_000138.5 (MANE Select); 9 bases into the intron after coding-DNA position 247, A replaced by C.
Molecular consequence: intron variant.
Genome position (GRCh38, 1-based): chr15:48,613,001, T>G on the plus strand (A>C on the coding strand, the complement: FBN1 is on the minus strand). VCF-style: chr15-48613001-T-G. GRCh37 (hg19) VCF-style: chr15-48905198-T-G.
Identifiers: ClinVar variation 511944 (VCV000511944.5), dbSNP rs1298547542, ClinGen allele CA658798369.